The following is an entry in ClinVar:

ClinVar aggregate classification (germline): Likely benign. Review status: criteria provided, multiple submitters, no conflicts (2 of 4 stars). 2 submissions from 2 submitters: Likely benign (2). Last evaluated 2026-08-01.

Submissions (2):

CeGaT Center for Human Genetics Tuebingen
Classification: Likely benign. Last evaluated: 2026-08-01. Review status: criteria provided, single submitter. Criteria: CeGaT Center For Human Genetics Tuebingen Variant Classification Criteria Version 2. Collection method: clinical testing. Allele origin: germline. Affected: yes. Observed: 34 variant alleles.
Comment: HYDIN: BP4, BP7

Laboratory of Genetics, Children's Clinical University Hospital Latvia
Classification: Likely benign. Last evaluated: 2025-02-16. Review status: criteria provided, single submitter. Criteria: ACMG Guidelines, 2015. Collection method: clinical testing. Allele origin: germline. Affected: yes.

NM_001270974.2(HYDIN):c.11811G>A (p.Pro3937=)

Gene: HYDIN (HYDIN axonemal central pair apparatus protein; minus strand). Cytogenetic location: 16q22.2.
Variant type: single nucleotide variant.
Coding change: c.11811G>A on transcript NM_001270974.2 (MANE Select); coding-DNA position 11811, G replaced by A.
Protein change: p.Pro3937=; no amino-acid change (proline 3937 retained).
Molecular consequence: synonymous variant.
Genome position (GRCh38, 1-based): chr16:70,860,868, C>T on the plus strand (G>A on the coding strand, the complement: HYDIN is on the minus strand). VCF-style: chr16-70860868-C-T. GRCh37 (hg19) VCF-style: chr16-70894771-C-T.
Identifiers: ClinVar variation 2582946 (VCV002582946.26), dbSNP rs112468877, ClinGen allele CA8148919.
Genomic context (GRCh38, chr16:70,860,868, plus strand): 5'-CGAGTCTTTCAGATCAAAATGGCAGATGGGCAAGGTGCTCCGCCCTTTTGCTACCAGGAC[C>T]GGACCTTGCTCTCCAGGTGGCAGGTTGGGAATCCTGAGAGGATAAGGTTATTTTTATTTG-3'
Protein context (NP_001257903.1, residues 3927-3947): IPNLPPGEQG[Pro3937=]VLVAKGRSTL